The following is an entry in ClinVar:

NM_001458.5(FLNC):c.2821G>A (p.Ala941Thr)

Gene: FLNC (filamin C; plus strand). Cytogenetic location: 7q32.1.
Variant type: single nucleotide variant.
Coding change: c.2821G>A on transcript NM_001458.5 (MANE Select); coding-DNA position 2821, G replaced by A.
Protein change: p.Ala941Thr; replaces alanine 941 with threonine.
Molecular consequence: missense variant.
Genome position (GRCh38, 1-based): chr7:128,843,805, G>A. VCF-style: chr7-128843805-G-A. GRCh37 (hg19) VCF-style: chr7-128483859-G-A.
Other names: c.2821G>A, p.Ala941Thr (NM_001127487.2); short protein forms A941T.
Identifiers: ClinVar variation 960024 (VCV000960024.11), dbSNP rs1334463747, ClinGen allele CA369193366.

ClinVar aggregate classification (germline): Uncertain significance. Review status: criteria provided, multiple submitters, no conflicts (2 of 4 stars). 2 submissions from 2 submitters: Uncertain significance (2). Last evaluated 2023-09-15.

Conditions:
Hypertrophic cardiomyopathy 26. Also called: Cardiomyopathy, familial hypertrophic, 26. Identifiers: Orphanet 75249, MedGen C4310749, MONDO:0014883, OMIM 617047.
Myofibrillar myopathy 5. Also called: FILAMINOPATHY, AUTOSOMAL DOMINANT; Filaminopathy (type). Identifiers: Orphanet 171445, MedGen C1836050, MONDO:0012289, OMIM 609524.
Distal myopathy with posterior leg and anterior hand involvement. Also called: WILLIAMS DISTAL MYOPATHY. Identifiers: Orphanet 63273, MedGen C3279722, MONDO:0013550, OMIM 614065.
Cardiovascular phenotype. Identifiers: MedGen CN230736.

Allele frequency attached by ClinVar (database versions not stated): gnomAD exomes below 0.00001 and 0.00001.
gnomAD v4.1: 3 of 1,614,012 alleles (0.00019%); highest among the groups gnomAD compares: South Asian, 0.0022%; no homozygotes.

Submissions (2):

Ambry Genetics
Classification: Uncertain significance for Cardiovascular phenotype. Last evaluated: 2023-09-15. Review status: criteria provided, single submitter. Criteria: Ambry Variant Classification Scheme 2023. Collection method: clinical testing. Allele origin: germline.
Comment: The p.A941T variant (also known as c.2821G>A), located in coding exon 19 of the FLNC gene, results from a G to A substitution at nucleotide position 2821. The alanine at codon 941 is replaced by threonine, an amino acid with similar properties. This amino acid position is conserved. In addition, this alteration is predicted to be tolerated by in silico analysis. Since supporting evidence is limited at this time, the clinical significance of this alteration remains unclear.

Labcorp Genetics (formerly Invitae), Labcorp
Classification: Uncertain significance for Distal myopathy with posterior leg and anterior hand involvement; Myofibrillar myopathy 5; Hypertrophic cardiomyopathy 26. Last evaluated: 2020-02-22. Review status: criteria provided, single submitter. Criteria: Invitae Variant Classification Sherloc (09022015). Collection method: clinical testing. Allele origin: germline.
Comment: This variant is not present in population databases (ExAC no frequency). In summary, the available evidence is currently insufficient to determine the role of this variant in disease. Therefore, it has been classified as a Variant of Uncertain Significance. Algorithms developed to predict the effect of missense changes on protein structure and function (SIFT, PolyPhen-2, Align-GVGD) all suggest that this variant is likely to be tolerated, but these predictions have not been confirmed by published functional studies and their clinical significance is uncertain. This variant has not been reported in the literature in individuals with FLNC-related conditions. This sequence change replaces alanine with threonine at codon 941 of the FLNC protein (p.Ala941Thr). The alanine residue is moderately conserved and there is a small physicochemical difference between alanine and threonine.